The following is an entry in ClinVar:

NM_002528.7(NTHL1):c.373C>A (p.Leu125Met)

Gene: NTHL1 (nth like DNA glycosylase 1; minus strand). Cytogenetic location: 16p13.3.
Variant type: single nucleotide variant.
Coding change: c.373C>A on transcript NM_002528.7 (MANE Select); coding-DNA position 373, C replaced by A.
Protein change: p.Leu125Met; replaces leucine 125 with methionine.
Molecular consequence: missense variant. On other transcripts: intron variant (1).
Genome position (GRCh38, 1-based): chr16:2,044,782, G>T on the plus strand (C>A on the coding strand, the complement: NTHL1 is on the minus strand). VCF-style: chr16-2044782-G-T. GRCh37 (hg19) VCF-style: chr16-2094783-G-T.
Other names: c.43C>A, p.Leu15Met (NM_001318194.2); c.355-1056C>A (NM_001318193.2); short protein forms L125M, L15M.
Identifiers: ClinVar variation 1001879 (VCV001001879.11), dbSNP rs1397440217, ClinGen allele CA394294717.
Genomic context (GRCh38, chr16:2,044,782, plus strand): 5'-GCTGCATGGCGCCCGCCGTCACCTGGTCTTTGGTTTGGCTGGAGAGCATCAGTGACAGCA[G>T]CACCTGGTACCTGCGTACCTGCTTGTGCAGTGACAGGGACCGGGGTGGCGGCGGGTCCTG-3'
Protein context (NP_002519.2, residues 115-135): APPKVRRYQV[Leu125Met]LSLMLSSQTK

ClinVar aggregate classification (germline): Uncertain significance. Review status: criteria provided, multiple submitters, no conflicts (2 of 4 stars). 2 submissions from 2 submitters: Uncertain significance (2). Last evaluated 2025-07-07.

Conditions:
Hereditary cancer-predisposing syndrome. Also called: Neoplastic Syndromes, Hereditary; Tumor predisposition; Hereditary Cancer Syndrome; Hereditary neoplastic syndrome. Identifiers: Orphanet 140162, MedGen C0027672, MeSH D009386, MONDO:0015356.

Allele frequency attached by ClinVar (database versions not stated): gnomAD 0.00001.
gnomAD v4.1: 1 of 1,609,262 alleles (0.000062%); highest among the groups gnomAD compares: African/African-American, 0.0013%; no homozygotes.

Submissions (2):

Ambry Genetics
Classification: Uncertain significance for Hereditary cancer-predisposing syndrome. Last evaluated: 2025-07-07. Review status: criteria provided, single submitter. Criteria: Ambry Variant Classification Scheme 2023. Collection method: clinical testing. Allele origin: germline.
Comment: The p.L133M variant (also known as c.397C>A), located in coding exon 3 of the NTHL1 gene, results from a C to A substitution at nucleotide position 397. The leucine at codon 133 is replaced by methionine, an amino acid with highly similar properties. This amino acid position is highly conserved in available vertebrate species. In addition, this alteration is predicted to be deleterious by in silico analysis. Since supporting evidence is limited at this time, the clinical significance of this alteration remains unclear.

Labcorp Genetics (formerly Invitae), Labcorp
Classification: Uncertain significance. Last evaluated: 2024-02-23. Review status: criteria provided, single submitter. Criteria: Invitae Variant Classification Sherloc (09022015). Collection method: clinical testing. Allele origin: germline.
Comment: This sequence change replaces leucine, which is neutral and non-polar, with methionine, which is neutral and non-polar, at codon 133 of the NTHL1 protein (p.Leu133Met). This variant is present in population databases (no rsID available, gnomAD 0.01%). This variant has not been reported in the literature in individuals affected with NTHL1-related conditions. ClinVar contains an entry for this variant (Variation ID: 1001879). An algorithm developed to predict the effect of missense changes on protein structure and function (PolyPhen-2) suggests that this variant is likely to be disruptive. In summary, the available evidence is currently insufficient to determine the role of this variant in disease. Therefore, it has been classified as a Variant of Uncertain Significance.